The following is an entry in ClinVar:

NM_015073.3(SIPA1L3):c.1897G>A (p.Gly633Ser)

Gene: SIPA1L3 (signal induced proliferation associated 1 like 3; plus strand). Cytogenetic location: 19q13.13.
Variant type: single nucleotide variant.
Coding change: c.1897G>A on transcript NM_015073.3 (MANE Select); coding-DNA position 1897, G replaced by A.
Protein change: p.Gly633Ser; replaces glycine 633 with serine.
Molecular consequence: missense variant.
Genome position (GRCh38, 1-based): chr19:38,101,094, G>A. VCF-style: chr19-38101094-G-A. GRCh37 (hg19) VCF-style: chr19-38591734-G-A.
Other names: short protein forms G633S.
Identifiers: ClinVar variation 1349081 (VCV001349081.8), dbSNP rs145206220, ClinGen allele CA9409506.
Genomic context (GRCh38, chr19:38,101,094, plus strand): 5'-CCACTCTTGCCTCTGCAGCTCTGCCGGAAGCACAAGGTGGGCATCCTCTATTGCAAGGCC[G>A]GCCAGAGCTCCGAGGAGGAGATGTACAACAATGAGGAGGCCGGCCCCGCCTTTGAGGAGT-3'
Protein context (NP_055888.1, residues 623-643): HKVGILYCKA[Gly633Ser]QSSEEEMYNN

ClinVar aggregate classification (germline): Uncertain significance (1 of 4 stars; one submission).

Allele frequency attached by ClinVar (database versions not stated): gnomAD exomes 0.00001 and 0.00002; TOPMed 0.00001; ExAC 0.00003; ESP Exome Variant Server 0.00008.

Submission:

Labcorp Genetics (formerly Invitae), Labcorp
Classification: Uncertain significance. Last evaluated: 2025-06-25. Review status: criteria provided, single submitter. Criteria: Invitae Variant Classification Sherloc (09022015). Collection method: clinical testing. Allele origin: germline.
Comment: This sequence change replaces glycine, which is neutral and non-polar, with serine, which is neutral and polar, at codon 633 of the SIPA1L3 protein (p.Gly633Ser). The frequency data for this variant in the population databases is considered unreliable, as metrics indicate poor data quality at this position in the gnomAD database. This variant has not been reported in the literature in individuals affected with SIPA1L3-related conditions. ClinVar contains an entry for this variant (Variation ID: 1349081). An algorithm developed to predict the effect of missense changes on protein structure and function (PolyPhen-2) suggests that this variant is likely to be disruptive. In summary, the available evidence is currently insufficient to determine the role of this variant in disease. Therefore, it has been classified as a Variant of Uncertain Significance.